The following is an entry in ClinVar:

ClinVar aggregate classification (germline): Uncertain significance (1 of 4 stars; one submission).

Conditions:
Hereditary sensory and autonomic neuropathy type 7. Also called: Neuropathy, hereditary sensory and autonomic, type VII; HSAN VII. Identifiers: Orphanet 391397, MedGen C3809882, MONDO:0014244, OMIM 615548.
Familial episodic pain syndrome with predominantly lower limb involvement. Also called: Episodic pain syndrome, familial, 3. Identifiers: Orphanet 391384, Orphanet 391392, MedGen C3809899, MONDO:0014247, OMIM 615552.

Submission:

Labcorp Genetics (formerly Invitae), Labcorp
Classification: Uncertain significance for Familial episodic pain syndrome with predominantly lower limb involvement; Hereditary sensory and autonomic neuropathy type 7. Last evaluated: 2021-03-01. Review status: criteria provided, single submitter. Criteria: Invitae Variant Classification Sherloc (09022015). Collection method: clinical testing. Allele origin: germline.
Comment: This sequence change replaces alanine with threonine at codon 25 of the SCN11A protein (p.Ala25Thr). The alanine residue is highly conserved and there is a small physicochemical difference between alanine and threonine. This variant is not present in population databases (ExAC no frequency). This variant has not been reported in the literature in individuals with SCN11A-related conditions. Algorithms developed to predict the effect of missense changes on protein structure and function are either unavailable or do not agree on the potential impact of this missense change (SIFT: "Tolerated"; PolyPhen-2: "Possibly Damaging"; Align-GVGD: "Class C0"). In summary, the available evidence is currently insufficient to determine the role of this variant in disease. Therefore, it has been classified as a Variant of Uncertain Significance.

NM_001349253.2(SCN11A):c.73G>A (p.Ala25Thr)

Gene: SCN11A (sodium voltage-gated channel alpha subunit 11; minus strand). Cytogenetic location: 3p22.2.
Variant type: single nucleotide variant.
Coding change: c.73G>A on transcript NM_001349253.2 (MANE Select); coding-DNA position 73, G replaced by A.
Protein change: p.Ala25Thr; replaces alanine 25 with threonine.
Molecular consequence: missense variant.
Genome position (GRCh38, 1-based): chr3:38,950,290, C>T on the plus strand (G>A on the coding strand, the complement: SCN11A is on the minus strand). VCF-style: chr3-38950290-C-T. GRCh37 (hg19) VCF-style: chr3-38991781-C-T.
Other names: c.73G>A, p.Ala25Thr (NM_014139.3); short protein forms A25T.
Identifiers: ClinVar variation 1461941 (VCV001461941.8), dbSNP rs2125577366, ClinGen allele CA352176864.